The following is an entry in ClinVar:

NM_001399.5(EDA):c.326dup (p.Ser110fs)

Gene: EDA (ectodysplasin A; plus strand). Cytogenetic location: Xq13.1.
Variant type: Duplication.
Coding change: c.326dup on transcript NM_001399.5 (MANE Select); coding-DNA position 326, one base duplicated (C; older notation c.326dupC).
Protein change: p.Ser110fs; shifts the reading frame from serine 110.
Molecular consequence: frameshift variant.
Genome position (GRCh38, 1-based): chrX:69,616,634, C duplicated; the last of 2 consecutive C bases (chrX:69,616,633-69,616,634); duplicating either gives the same sequence. VCF-style (leftmost placement, unchanged base first): chrX-69616632-G-GC. GRCh37 (hg19) VCF-style: chrX-68836476-G-GC.
Other names: c.326dup, p.Ser110fs (NM_001005609.2, NM_001005610.4, NM_001005612.3 and 1 more transcripts); short protein forms S110fs.
Identifiers: ClinVar variation 1457015 (VCV001457015.7), dbSNP rs2147198269, ClinGen allele CA2573159209.

ClinVar aggregate classification (germline): Pathogenic/Likely pathogenic. Review status: criteria provided, multiple submitters, no conflicts (2 of 4 stars). 2 submissions from 2 submitters: Pathogenic (1); Likely pathogenic (1). Last evaluated 2021-10-28.

Conditions:
EDA-related disorder. Also called: EDA-related disorders; EDA-related condition.
Hypohidrotic X-linked ectodermal dysplasia (XHED). Also called: Christ-Siemans-Touraine syndrome; ECTODERMAL DYSPLASIA, HYPOHIDROTIC, 1; CST SYNDROME; Ectodermal Dysplasia 1, Anhidrotic; ECTODERMAL DYSPLASIA 1, HYPOHIDROTIC/HAIR/TOOTH TYPE, X-LINKED; ECTODERMAL DYSPLASIA 1. Identifiers: Orphanet 181, Orphanet 238468, MedGen C0162359, MONDO:0010585, OMIM 305100.

Submissions (2):

Labcorp Genetics (formerly Invitae), Labcorp
Classification: Pathogenic for Hypohidrotic X-linked ectodermal dysplasia. Last evaluated: 2021-10-28. Review status: criteria provided, single submitter. Criteria: Invitae Variant Classification Sherloc (09022015). Collection method: clinical testing. Allele origin: germline.
Comment: For these reasons, this variant has been classified as Pathogenic. This variant has not been reported in the literature in individuals affected with EDA-related conditions. This variant is not present in population databases (gnomAD no frequency). This sequence change creates a premature translational stop signal (p.Ser110Valfs*3) in the EDA gene. It is expected to result in an absent or disrupted protein product. Loss-of-function variants in EDA are known to be pathogenic (PMID: 9683615).

Blueprint Genetics
Classification: Likely pathogenic for EDA-related disorders. Last evaluated: 2019-06-29. Review status: criteria provided, single submitter. Criteria: ACMG Guidelines, 2015. Collection method: clinical testing. Allele origin: germline. Affected: yes. Observed: 1 variant allele.

Literature cited by the submitters: PubMed 9683615 (cited by Labcorp Genetics (formerly Invitae), Labcorp).